The following is an entry in ClinVar:

NC_000001.10:g.(?_41474523)_(41510926_?)del

Genes: CTPS1 (CTP synthase 1; plus strand), SCMH1 (Scm polycomb group protein homolog 1; minus strand), SLFNL1 (schlafen like 1; minus strand). Cytogenetic location: 1p34.2.
Variant type: Deletion.
Identifiers: ClinVar variation 1410532 (VCV001410532.4).

ClinVar aggregate classification (germline): Uncertain significance (1 of 4 stars; one submission).

Conditions:
Combined immunodeficiency due to CTPS1 deficiency. Also called: Severe combined immunodeficiency due to CTPS1 deficiency; Immunodeficiency 24. Identifiers: Orphanet 420573, MedGen C4014617, MONDO:0014391, OMIM 615897.

Submission:

Labcorp Genetics (formerly Invitae), Labcorp
Classification: Uncertain significance for Combined immunodeficiency due to CTPS1 deficiency. Last evaluated: 2021-09-10. Review status: criteria provided, single submitter. Criteria: Invitae Variant Classification Sherloc (09022015). Collection method: clinical testing. Allele origin: germline.
Comment: In summary, the available evidence is currently insufficient to determine the role of this variant in disease. Therefore, it has been classified as a Variant of Uncertain Significance. Experimental studies and prediction algorithms are not available or were not evaluated, and the functional significance of this variant is currently unknown. This variant has not been reported in the literature in individuals affected with CTPS1-related conditions. This variant results in the deletion of part of exon 16 and exons 17-19 (c.1507_*33606del) of the CTPS1 gene. While this deletion is not anticipated to lead to nonsense mediated decay, it is expected to alter mRNA translation or result in a truncated protein product.